The following is an entry in ClinVar:

NM_020247.5(COQ8A):c.1713C>A (p.Ala571=)

Gene: COQ8A (coenzyme Q8A; plus strand). Cytogenetic location: 1q42.13.
Variant type: single nucleotide variant.
Coding change: c.1713C>A on transcript NM_020247.5 (MANE Select); coding-DNA position 1713, C replaced by A.
Protein change: p.Ala571=; no amino-acid change (alanine 571 retained).
Molecular consequence: synonymous variant.
Genome position (GRCh38, 1-based): chr1:226,986,506, C>A. VCF-style: chr1-226986506-C-A. GRCh37 (hg19) VCF-style: chr1-227174207-C-A.
Identifiers: ClinVar variation 296027 (VCV000296027.15), dbSNP rs886046069, ClinGen allele CA10609261.
Genomic context (GRCh38, chr1:226,986,506, plus strand): 5'-GCCCCAGGTCATGGAAGACGCCCACTTGGATGCCATCCTCATCCTGGGGGAGGCCTTCGC[C>A]TCTGATGAGCCTTTTGATTTTGGCACTCAGAGCACCACCGAGAAGATCCACAACCTGATT-3'
Protein context (NP_064632.2, residues 561-581): DAILILGEAF[Ala571=]SDEPFDFGTQ

ClinVar aggregate classification (germline): Conflicting classifications of pathogenicity. Review status: criteria provided, conflicting classifications (1 of 4 stars). 3 submissions from 3 submitters: Uncertain significance (1); Likely benign (1). 1 of the submissions does not count toward it. Last evaluated 2024-12-23.

Conditions:
Autosomal recessive ataxia due to ubiquinone deficiency. Also called: SPINOCEREBELLAR ATAXIA, AUTOSOMAL RECESSIVE 9; Coenzyme Q10 deficiency, primary, 4. Identifiers: Orphanet 139485, MedGen C2677589, MONDO:0012784, OMIM 612016.
COQ8A-related disorder. Also called: COQ8A-related condition.

gnomAD v4.1: 60 of 1,613,654 alleles (0.0037%); highest among the groups gnomAD compares: Non-Finnish European, 0.0047%; no homozygotes.

Submissions (3):

Labcorp Genetics (formerly Invitae), Labcorp
Classification: Likely benign. Last evaluated: 2024-12-23. Review status: criteria provided, single submitter. Criteria: Invitae Variant Classification Sherloc (09022015). Collection method: clinical testing. Allele origin: germline.

Illumina Laboratory Services, Illumina
Classification: Uncertain significance for Autosomal recessive ataxia due to ubiquinone deficiency. Last evaluated: 2018-01-13. Review status: criteria provided, single submitter. Criteria: ICSL Variant Classification Criteria 13 December 2019. Collection method: clinical testing. Allele origin: germline.

PreventionGenetics, part of Exact Sciences
Classification: Likely benign for COQ8A-related condition. Last evaluated: 2020-03-23. Review status: no assertion criteria provided. Collection method: clinical testing. Allele origin: germline. Not counted in ClinVar's aggregate classification.
Comment: This variant is classified as likely benign based on ACMG/AMP sequence variant interpretation guidelines (Richards et al. 2015 PMID: 25741868, with internal and published modifications).